The following is an entry in ClinVar:

NM_002485.5(NBN):c.1770A>T (p.Arg590Ser)

Gene: NBN (nibrin; minus strand). Cytogenetic location: 8q21.3.
Variant type: single nucleotide variant.
Coding change: c.1770A>T on transcript NM_002485.5 (MANE Select); coding-DNA position 1770, A replaced by T.
Protein change: p.Arg590Ser; replaces arginine 590 with serine.
Molecular consequence: missense variant.
Genome position (GRCh38, 1-based): chr8:89,953,319, T>A on the plus strand (A>T on the coding strand, the complement: NBN is on the minus strand). VCF-style: chr8-89953319-T-A. GRCh37 (hg19) VCF-style: chr8-90965547-T-A.
Other names: c.1524A>T, p.Arg508Ser (NM_001024688.3); short protein forms R590S, R508S.
Identifiers: ClinVar variation 665950 (VCV000665950.12), dbSNP rs1586053003, ClinGen allele CA371655130.
Genomic context (GRCh38, chr8:89,953,319, plus strand): 5'-TTCTGGTACTGCTTCATCACTGAAAGTGTCATTTGTTTCTATATCCATCCTTGGCCTTTT[T>A]CTAACATTGACATCTTCCTCCTGTTTTTGAACTTTCACATCAATTTCTAACTCTGGTTTT-3'
Protein context (NP_002476.2, residues 580-600): VQKQEEDVNV[Arg590Ser]KRPRMDIETN

ClinVar aggregate classification (germline): Uncertain significance. Review status: criteria provided, multiple submitters, no conflicts (2 of 4 stars). 3 submissions from 3 submitters: Uncertain significance (3). Last evaluated 2024-02-07.

Conditions:
Aplastic anemia. Identifiers: Orphanet 182040, Orphanet 88, MedGen C0002874, MONDO:0015909, OMIM 609135, HP:0001915.
Microcephaly, normal intelligence and immunodeficiency (NBS). Also called: Microcephaly with normal intelligence immunodeficiency and lymphoreticular malignancies; Nonsyndromal microcephaly autosomal recessive with normal intelligence; Seemanova syndrome 2; Immunodeficiency, microcephaly with normal intelligence; SEEMANOVA SYNDROME II; Ataxia telangiectasia variant V1. Identifiers: Orphanet 647, MedGen C0398791, MONDO:0009623, OMIM 251260.
Hereditary cancer-predisposing syndrome. Also called: Neoplastic Syndromes, Hereditary; Hereditary neoplastic syndrome; Tumor predisposition; Hereditary Cancer Syndrome. Identifiers: Orphanet 140162, MedGen C0027672, MeSH D009386, MONDO:0015356.

Allele frequency attached by ClinVar (database versions not stated): gnomAD exomes below 0.00001; gnomAD 0.00001.

Submissions (3):

Baylor Genetics
Classification: Uncertain significance for Aplastic anemia. Last evaluated: 2024-02-07. Review status: criteria provided, single submitter. Criteria: ACMG Guidelines, 2015. Collection method: clinical testing. Allele origin: unknown.

Labcorp Genetics (formerly Invitae), Labcorp
Classification: Uncertain significance for Microcephaly, normal intelligence and immunodeficiency. Last evaluated: 2022-03-23. Review status: criteria provided, single submitter. Criteria: Invitae Variant Classification Sherloc (09022015). Collection method: clinical testing. Allele origin: germline.
Comment: In summary, the available evidence is currently insufficient to determine the role of this variant in disease. Therefore, it has been classified as a Variant of Uncertain Significance. Algorithms developed to predict the effect of missense changes on protein structure and function output the following: SIFT: "Tolerated"; PolyPhen-2: "Benign"; Align-GVGD: "Class C0". The serine amino acid residue is found in multiple mammalian species, which suggests that this missense change does not adversely affect protein function. ClinVar contains an entry for this variant (Variation ID: 665950). This variant has not been reported in the literature in individuals affected with NBN-related conditions. This variant is not present in population databases (gnomAD no frequency). This sequence change replaces arginine, which is basic and polar, with serine, which is neutral and polar, at codon 590 of the NBN protein (p.Arg590Ser).

Ambry Genetics
Classification: Uncertain significance for Hereditary cancer-predisposing syndrome. Last evaluated: 2015-11-21. Review status: criteria provided, single submitter. Criteria: Ambry Variant Classification Scheme 2023. Collection method: clinical testing. Allele origin: germline.
Comment: The p.R590S variant (also known as c.1770A>T), located in coding exon 11 of the NBN gene, results from an A to T substitution at nucleotide position 1770. The arginine at codon 590 is replaced by serine, an amino acid with dissimilar properties. This variant was not reported in population based cohorts in the following databases: Database of Single Nucleotide Polymorphisms (dbSNP), NHLBI Exome Sequencing Project (ESP), and 1000 Genomes Project. In the ESP, this variant was not observed in 6502 samples (13004 alleles) with coverage at this position. To date, this alteration has been detected with an allele frequency of approximately 0.001% (greater than 120000 alleles tested) in our clinical cohort. This amino acid position is not well conserved in available vertebrate species. In addition, this alteration is predicted to be tolerated by in silico analysis. Since supporting evidence is limited at this time, the clinical significance of p.R590S remains unclear.